The following is an entry in ClinVar:

ClinVar aggregate classification (germline): Uncertain significance (1 of 4 stars; one submission).

Conditions:
Congenital myotonia, autosomal recessive form. Also called: Becker Generalized Myotonia; BECKER DISEASE; myotonia congenita, autosomal recessive. Identifiers: Orphanet 614, MedGen C0751360, MONDO:0009715, OMIM 255700.
Congenital myotonia, autosomal dominant form (THD). Also called: THOMSEN DISEASE; Myotonia congenita autosomal dominant. Identifiers: Orphanet 614, MedGen C2936781, MONDO:0008055, OMIM 160800.

Submission:

Labcorp Genetics (formerly Invitae), Labcorp
Classification: Uncertain significance for Congenital myotonia, autosomal recessive form; Congenital myotonia, autosomal dominant form. Last evaluated: 2022-07-19. Review status: criteria provided, single submitter. Criteria: Invitae Variant Classification Sherloc (09022015). Collection method: clinical testing. Allele origin: germline.
Comment: In summary, the available evidence is currently insufficient to determine the role of this variant in disease. Therefore, it has been classified as a Variant of Uncertain Significance. Advanced modeling of protein sequence and biophysical properties (such as structural, functional, and spatial information, amino acid conservation, physicochemical variation, residue mobility, and thermodynamic stability) performed at Invitae indicates that this missense variant is expected to disrupt CLCN1 protein function. ClinVar contains an entry for this variant (Variation ID: 1441583). This variant has not been reported in the literature in individuals affected with CLCN1-related conditions. This variant is not present in population databases (gnomAD no frequency). This sequence change replaces leucine, which is neutral and non-polar, with proline, which is neutral and non-polar, at codon 181 of the CLCN1 protein (p.Leu181Pro).

NM_000083.3(CLCN1):c.542T>C (p.Leu181Pro)

Gene: CLCN1 (chloride voltage-gated channel 1; plus strand). Cytogenetic location: 7q34.
Variant type: single nucleotide variant.
Coding change: c.542T>C on transcript NM_000083.3 (MANE Select); coding-DNA position 542, T replaced by C.
Protein change: p.Leu181Pro; replaces leucine 181 with proline.
Molecular consequence: missense variant. On other transcripts: non-coding transcript variant (1).
Genome position (GRCh38, 1-based): chr7:143,321,473, T>C. VCF-style: chr7-143321473-T-C. GRCh37 (hg19) VCF-style: chr7-143018566-T-C.
Other names: short protein forms L181P.
Identifiers: ClinVar variation 1441583 (VCV001441583.6), dbSNP rs2116837812, ClinGen allele CA369683990.
Genomic context (GRCh38, chr7:143,321,473, plus strand): 5'-TCCTGGTCTGGGTCACCTTCCCACTAGTCCTCATCCTCTTCAGCGCCCTCTTCTGCCACC[T>C]CATCTCTCCCCAGGCTGTTGGTGAGAACTTGCCACCAGACTCGGCCTGAGCTGGGTGGCC-3'
Protein context (NP_000074.3, residues 171-191): LILFSALFCH[Leu181Pro]ISPQAVGSGI